The following is an entry in ClinVar:

NM_001144758.3(PHLDB1):c.1840C>T (p.Leu614=)

Gene: PHLDB1 (pleckstrin homology like domain family B member 1; plus strand). Cytogenetic location: 11q23.3.
Variant type: single nucleotide variant.
Coding change: c.1840C>T on transcript NM_001144758.3 (MANE Select); coding-DNA position 1840, C replaced by T.
Protein change: p.Leu614=; no amino-acid change (leucine 614 retained).
Molecular consequence: synonymous variant.
Genome position (GRCh38, 1-based): chr11:118,631,219, C>T. VCF-style: chr11-118631219-C-T. GRCh37 (hg19) VCF-style: chr11-118501936-C-T.
Other names: c.1840C>T, p.Leu614= (NM_001144759.3, NM_015157.4).
Identifiers: ClinVar variation 4681983 (VCV004681983.5).

ClinVar aggregate classification (germline): Likely benign (1 of 4 stars; one submission).

Submission:

CeGaT Center for Human Genetics Tuebingen
Classification: Likely benign. Last evaluated: 2025-12-01. Review status: criteria provided, single submitter. Criteria: CeGaT Center For Human Genetics Tuebingen Variant Classification Criteria Version 2. Collection method: clinical testing. Allele origin: germline. Affected: yes. Observed: 1 variant allele.
Comment: PHLDB1: PM2:Supporting, BP4, BP7